The following is an entry in ClinVar:

ClinVar aggregate classification (germline): Uncertain significance (1 of 4 stars; one submission).

Conditions:
Familial hemophagocytic lymphohistiocytosis 2 (FHL2). Also called: PRF1-Related Familial Hemophagocytic Lymphohistiocytosis (PRF1-fHLH). Identifiers: Orphanet 540, MedGen C1863727, MONDO:0011337, OMIM 603553.

Submission:

Labcorp Genetics (formerly Invitae), Labcorp
Classification: Uncertain significance for Familial hemophagocytic lymphohistiocytosis 2. Last evaluated: 2025-09-05. Review status: criteria provided, single submitter. Criteria: Invitae Variant Classification Sherloc (09022015). Collection method: clinical testing. Allele origin: germline.
Comment: This sequence change replaces histidine, which is basic and polar, with glutamine, which is neutral and polar, at codon 144 of the PRF1 protein (p.His144Gln). This variant is not present in population databases (gnomAD no frequency). This variant has not been reported in the literature in individuals affected with PRF1-related conditions. Invitae Evidence Modeling of protein sequence and biophysical properties (such as structural, functional, and spatial information, amino acid conservation, physicochemical variation, residue mobility, and thermodynamic stability) indicates that this missense variant is not expected to disrupt PRF1 protein function with a negative predictive value of 95%. In summary, the available evidence is currently insufficient to determine the role of this variant in disease. Therefore, it has been classified as a Variant of Uncertain Significance.

NM_001083116.3(PRF1):c.432T>G (p.His144Gln)

Gene: PRF1 (perforin 1; minus strand). Cytogenetic location: 10q22.1.
Variant type: single nucleotide variant.
Coding change: c.432T>G on transcript NM_001083116.3 (MANE Select); coding-DNA position 432, T replaced by G.
Protein change: p.His144Gln; replaces histidine 144 with glutamine.
Molecular consequence: missense variant.
Genome position (GRCh38, 1-based): chr10:70,600,471, A>C on the plus strand (T>G on the coding strand, the complement: PRF1 is on the minus strand). VCF-style: chr10-70600471-A-C. GRCh37 (hg19) VCF-style: chr10-72360227-A-C.
Other names: c.432T>G, p.His144Gln (NM_005041.6); short protein forms H144Q.
Identifiers: ClinVar variation 4802621 (VCV004802621.1).